The following is an entry in ClinVar:

NM_006766.5(KAT6A):c.5356C>G (p.Leu1786Val)

Gene: KAT6A (lysine acetyltransferase 6A; minus strand). Cytogenetic location: 8p11.21.
Variant type: single nucleotide variant.
Coding change: c.5356C>G on transcript NM_006766.5 (MANE Select); coding-DNA position 5356, C replaced by G.
Protein change: p.Leu1786Val; replaces leucine 1786 with valine.
Molecular consequence: missense variant.
Genome position (GRCh38, 1-based): chr8:41,932,864, G>C on the plus strand (C>G on the coding strand, the complement: KAT6A is on the minus strand). VCF-style: chr8-41932864-G-C. GRCh37 (hg19) VCF-style: chr8-41790382-G-C.
Other names: short protein forms L1786V.
Identifiers: ClinVar variation 3691845 (VCV003691845.2).

ClinVar aggregate classification (germline): Uncertain significance (1 of 4 stars; one submission).

gnomAD v4.1: 1 of 1,614,198 alleles (0.000062%); highest among the groups gnomAD compares: East Asian, 0.0022%; no homozygotes.

Submission:

Labcorp Genetics (formerly Invitae), Labcorp
Classification: Uncertain significance. Last evaluated: 2024-06-09. Review status: criteria provided, single submitter. Criteria: Invitae Variant Classification Sherloc (09022015). Collection method: clinical testing. Allele origin: germline.
Comment: This sequence change replaces leucine, which is neutral and non-polar, with valine, which is neutral and non-polar, at codon 1786 of the KAT6A protein (p.Leu1786Val). This variant is not present in population databases (gnomAD no frequency). This variant has not been reported in the literature in individuals affected with KAT6A-related conditions. Experimental studies and prediction algorithms are not available or were not evaluated, and the functional significance of this variant is currently unknown. In summary, the available evidence is currently insufficient to determine the role of this variant in disease. Therefore, it has been classified as a Variant of Uncertain Significance.